The following is an entry in ClinVar:

ClinVar aggregate classification (germline): Uncertain significance. Review status: criteria provided, multiple submitters, no conflicts (2 of 4 stars). 2 submissions from 2 submitters: Uncertain significance (2). Last evaluated 2025-11-24.

Conditions:
Inborn genetic diseases. Identifiers: MedGen C0950123, MeSH D030342.

Allele frequency attached by ClinVar (database versions not stated): 1000 Genomes Project 30x 0.00016; 1000 Genomes Project 0.00020; gnomAD exomes 0.00001.

Submissions (2):

Ambry Genetics
Classification: Uncertain significance for Inborn genetic diseases. Last evaluated: 2025-11-24. Review status: criteria provided, single submitter. Criteria: Ambry Variant Classification Scheme 2023. Collection method: clinical testing. Allele origin: germline.

Labcorp Genetics (formerly Invitae), Labcorp
Classification: Uncertain significance. Last evaluated: 2022-10-17. Review status: criteria provided, single submitter. Criteria: Invitae Variant Classification Sherloc (09022015). Collection method: clinical testing. Allele origin: germline.
Comment: This sequence change replaces glutamic acid, which is acidic and polar, with aspartic acid, which is acidic and polar, at codon 347 of the EIF2B5 protein (p.Glu347Asp). This variant is present in population databases (rs180945242, gnomAD 0.006%). This variant has not been reported in the literature in individuals affected with EIF2B5-related conditions. ClinVar contains an entry for this variant (Variation ID: 1421543). Advanced modeling of protein sequence and biophysical properties (such as structural, functional, and spatial information, amino acid conservation, physicochemical variation, residue mobility, and thermodynamic stability) performed at Invitae indicates that this missense variant is not expected to disrupt EIF2B5 protein function. Algorithms developed to predict the effect of sequence changes on RNA splicing suggest that this variant may disrupt the consensus splice site. In summary, the available evidence is currently insufficient to determine the role of this variant in disease. Therefore, it has been classified as a Variant of Uncertain Significance.

NM_003907.3(EIF2B5):c.1041G>T (p.Glu347Asp)

Gene: EIF2B5 (eukaryotic translation initiation factor 2B subunit epsilon; plus strand). Cytogenetic location: 3q27.1.
Variant type: single nucleotide variant.
Coding change: c.1041G>T on transcript NM_003907.3 (MANE Select); coding-DNA position 1041, G replaced by T.
Protein change: p.Glu347Asp; replaces glutamic acid 347 with aspartic acid.
Molecular consequence: missense variant.
Genome position (GRCh38, 1-based): chr3:184,140,615, G>T. VCF-style: chr3-184140615-G-T. GRCh37 (hg19) VCF-style: chr3-183858403-G-T.
Other names: c.1041G>T (NM_003907.2); short protein forms E347D.
Identifiers: ClinVar variation 1421543 (VCV001421543.5), dbSNP rs180945242, ClinGen allele CA88842905.
Genomic context (GRCh38, chr3:184,140,615, plus strand): 5'-CACTGACAGCACCACCCAGAGCTGCACTCATTCCCGGCACAACATCTACCGAGGGCCTGA[G>T]GTCAGCCTGGGCCATGGCAGCATCCTAGAGGAAAATGTGCTCCTGGGCTCTGGCACTGTC-3'
Protein context (NP_003898.2, residues 337-357): HSRHNIYRGP[Glu347Asp]VSLGHGSILE